The following is an entry in ClinVar:

NM_007294.4(BRCA1):c.5194-1450A>G

Gene: BRCA1 (BRCA1 DNA repair associated; minus strand). Cytogenetic location: 17q21.31.
Variant type: single nucleotide variant.
Coding change: c.5194-1450A>G on transcript NM_007294.4 (MANE Select); 1450 bases into the intron before coding-DNA position 5194, A replaced by G.
Molecular consequence: intron variant.
Genome position (GRCh38, 1-based): chr17:43,058,585, T>C on the plus strand (A>G on the coding strand, the complement: BRCA1 is on the minus strand). VCF-style: chr17-43058585-T-C. GRCh37 (hg19) VCF-style: chr17-41210602-T-C.
Other names: IVS 19-1450A>G; c.1741-1450A>G (NM_001408458.1, NM_001408461.1, NM_001408464.1 and 7 more transcripts); c.4303-1450A>G (NM_001407967.1); c.4813-1450A>G (NM_001407959.1); c.4927-1450A>G (NM_001407931.1, NM_001407932.1, NM_001407928.1 and 4 more transcripts); c.5050-1450A>G (NM_001407747.1, NM_001407745.1, NM_001407737.1 and 21 more transcripts); c.4810-1450A>G (NM_001407962.1, NM_001407960.1); c.1381-1450A>G (NM_001408512.1); and 73 more.
Identifiers: ClinVar variation 209298 (VCV000209298.2), dbSNP rs8176276, ClinGen allele CA276270.
Genomic context (GRCh38, chr17:43,058,585, plus strand): 5'-TGAAGCAAATCTTTTGTGTGCAGAACTTAACAATCGGCTTTTCACCTCACTGGGACTTAA[T>C]GTATTTTAATTTTCAACATCTATCTCCTCTCAAAACATTCACTTAGCATTTAGATTAGAC-3'

ClinVar aggregate classification (germline): Benign (3 of 4 stars; one submission).

Conditions:
Breast-ovarian cancer, familial, susceptibility to, 1 (BROVCA1). Also called: BRCA1 Hereditary Breast and Ovarian Cancer; OVARIAN CANCER, SUSCEPTIBILITY TO. Identifiers: Orphanet 145, MedGen C2676676, MONDO:0011450, OMIM 604370. Disease mechanism: loss of function.

Allele frequency attached by ClinVar (database versions not stated): gnomAD 0.00133 and 0.00163; TOPMed 0.00170; 1000 Genomes Project 0.00619; 1000 Genomes Project 30x 0.00734.
gnomAD v4.1: 252 of 152,318 alleles (0.17%); highest among the groups gnomAD compares: East Asian, 3.2%; 8 homozygotes.

Submission:

Evidence-based Network for the Interpretation of Germline Mutant Alleles (ENIGMA)
Classification: Benign for Breast-ovarian cancer, familial 1. Last evaluated: 2015-01-12. Review status: reviewed by expert panel. Criteria: ENIGMA BRCA1/2 Classification Criteria (2015). Collection method: curation. Allele origin: germline.
Comment: Class 1 not pathogenic based on frequency >1% in an outbred sampleset. Frequency 0.01748 (Asian), derived from 1000 genomes (2012-04-30).